The following is an entry in ClinVar:

ClinVar aggregate classification (germline): Uncertain significance (1 of 4 stars; one submission).

Submission:

Labcorp Genetics (formerly Invitae), Labcorp
Classification: Uncertain significance. Last evaluated: 2023-12-22. Review status: criteria provided, single submitter. Criteria: Invitae Variant Classification Sherloc (09022015). Collection method: clinical testing. Allele origin: germline.
Comment: This sequence change affects codon 612 of the KLHL9 mRNA. It is a 'silent' change, meaning that it does not change the encoded amino acid sequence of the KLHL9 protein. This variant is not present in population databases (gnomAD no frequency). This variant has not been reported in the literature in individuals affected with KLHL9-related conditions. ClinVar contains an entry for this variant (Variation ID: 2018638). In summary, the available evidence is currently insufficient to determine the role of this variant in disease. Therefore, it has been classified as a Variant of Uncertain Significance.

NM_018847.4(KLHL9):c.1836A>G (p.Ala612=)

Gene: KLHL9 (kelch like family member 9; minus strand). Cytogenetic location: 9p21.3.
Variant type: single nucleotide variant.
Coding change: c.1836A>G on transcript NM_018847.4 (MANE Select); coding-DNA position 1836, A replaced by G.
Protein change: p.Ala612=; no amino-acid change (alanine 612 retained).
Molecular consequence: synonymous variant.
Genome position (GRCh38, 1-based): chr9:21,333,024, T>C on the plus strand (A>G on the coding strand, the complement: KLHL9 is on the minus strand). VCF-style: chr9-21333024-T-C. GRCh37 (hg19) VCF-style: chr9-21333023-T-C.
Identifiers: ClinVar variation 2018638 (VCV002018638.4), dbSNP rs2537379667, ClinGen allele CA464258737.